The following is an entry in ClinVar:

NM_000266.4(NDP):c.361C>T (p.Arg121Trp)

Genes: NDP (norrin cystine knot growth factor NDP; minus strand), NDP-AS1 (NDP antisense RNA 1; plus strand). Cytogenetic location: Xp11.3.
Variant type: single nucleotide variant.
Coding change: c.361C>T on transcript NM_000266.4 (MANE Select); coding-DNA position 361, C replaced by T.
Protein change: p.Arg121Trp; replaces arginine 121 with tryptophan.
Molecular consequence: missense variant. On other transcripts: non-coding transcript variant (1).
Genome position (GRCh38, 1-based): chrX:43,949,840, G>A on the plus strand (C>T on the coding strand, the complement: NDP is on the minus strand). VCF-style: chrX-43949840-G-A. GRCh37 (hg19) VCF-style: chrX-43809086-G-A.
Other names: short protein forms R121W.
Identifiers: ClinVar variation 10688 (VCV000010688.13), dbSNP rs104894878, ClinGen allele CA255477.

ClinVar aggregate classification (germline): Pathogenic/Likely pathogenic. Review status: criteria provided, multiple submitters, no conflicts (2 of 4 stars). 6 submissions from 6 submitters: Pathogenic (3); Likely pathogenic (2). 1 of the submissions does not count toward it. Last evaluated 2024-10-25.

Conditions:
Retinal dystrophy. Also called: Inherited retinal dystrophy. Identifiers: Orphanet 71862, MedGen C0854723, MeSH D058499, MONDO:0019118, HP:0000556.
Exudative vitreoretinopathy 2, X-linked. Also called: NDP-Related Familial Exudative Vitreoretinopathy (FEVR); Familial exudative vitreoretinopathy, X-linked; EXUDATIVE VITREORETINOPATHY, FAMILIAL, 2; FEVR, X-LINKED. Identifiers: Orphanet 891, MedGen C1844579, MONDO:0010588, OMIM 305390.
Atrophia bulborum hereditaria (ND). Also called: EPISKOPI BLINDNESS; Pseudoglioma; Norrie syndrome; Norrie-Warburg syndrome; Anderson-Warburg syndrome; Fetal iritis syndrome. Identifiers: Orphanet 649, MedGen C0266526, MONDO:0010691, OMIM 310600, HP:6000262.

Submissions (6):

Labcorp Genetics (formerly Invitae), Labcorp
Classification: Pathogenic. Last evaluated: 2024-10-25. Review status: criteria provided, single submitter. Criteria: Invitae Variant Classification Sherloc (09022015). Collection method: clinical testing. Allele origin: germline.
Comment: This sequence change replaces arginine, which is basic and polar, with tryptophan, which is neutral and slightly polar, at codon 121 of the NDP protein (p.Arg121Trp). This variant is not present in population databases (gnomAD no frequency). This missense change has been observed in individuals with exudative vitreoretinopathy (PMID: 7558002, 7795608, 8832723, 17296899, 20491809). It has also been observed to segregate with disease in related individuals. ClinVar contains an entry for this variant (Variation ID: 10688). Invitae Evidence Modeling of protein sequence and biophysical properties (such as structural, functional, and spatial information, amino acid conservation, physicochemical variation, residue mobility, and thermodynamic stability) has been performed for this missense variant. However, the output from this modeling did not meet the statistical confidence thresholds required to predict the impact of this variant on NDP protein function. Experimental studies have shown that this missense change affects NDP function (PMID: 26158506). For these reasons, this variant has been classified as Pathogenic.

Human Genetics Bochum, Ruhr University Bochum
Classification: Likely pathogenic for Atrophia bulborum hereditaria. Last evaluated: 2023-07-12. Review status: criteria provided, single submitter. Criteria: ACMG Guidelines, 2015. Collection method: clinical testing. Allele origin: germline. Affected: yes.
Comment: ACMG criteria used to clasify this variant: PS4_MOD, PP3_MOD, PM2_SUP, PP1

GeneDx
Classification: Likely pathogenic. Last evaluated: 2015-12-03. Review status: criteria provided, single submitter. Criteria: GeneDx Variant Classification (06012015). Collection method: clinical testing. Allele origin: germline. Affected: yes.
Comment: The R121W variant in the NDP gene has been reported previously in association with X-linked familial exudative vitreoretinopathy (Meindl et al., 1995; Pelcastre et al., 2010; Fuchs et al., 1995; Wu et al., 2007). The R121W variant was not observed in approximately 6,488 individuals of European and African American ancestry in the NHLBI Exome Sequencing Project, indicating it is not a common benign variant in these populations. The R121W variant is a non-conservative amino acid substitution, which is likely to impact secondary protein structure as these residues differ in polarity, charge, size and/or other properties. This substitution occurs at a position that is conserved across species. In silico analysis predicts this variant is probably damaging to the protein structure/function. Based on the currently available information R121W is interpreted to be a likely pathogenic variant.

Institute of Human Genetics, Univ. Regensburg, Univ. Regensburg
Classification: Pathogenic for Retinal dystrophy. Last evaluated: 2012-01-01. Review status: criteria provided, single submitter. Criteria: ACMG Guidelines, 2015. Collection method: clinical testing. Allele origin: germline. Affected: yes.

Suma Genomics
Classification: Pathogenic for Exudative vitreoretinopathy 2, X-linked. Review status: criteria provided, single submitter. Criteria: ACMG Guidelines, 2015. Collection method: clinical testing. Allele origin: germline. Inheritance: X-linked inheritance. Affected: yes. Observed: 1 variant allele, 1 hemizygote.
Comment: This variant is not observed in the gnomAD database. In-silico analysis tool REVEL is consistent in predicting this variant to be disease-causing. ACMG Classification: Pathogenic Criteria met: PS3_Supporting: Well-established functional studies show a damaging effect on the gene or gene product. PM2_Supporting: Extremely low frequency in gnomAD population databases PM5: Different amino acid change as a known pathogenic variant PP1_Strong: Cosegregation PP3_Moderate: For a missense variant, computational prediction tools unanimously support a deleterious effect on the gene. PP4: Considered along with PP1

OMIM
Classification: Pathogenic for EXUDATIVE VITREORETINOPATHY 2, X-LINKED. Last evaluated: 1997-01-01. Review status: no assertion criteria provided. Collection method: literature only. Allele origin: germline. Not counted in ClinVar's aggregate classification.

Literature cited by the submitters: PubMed 7558002 (cited by 3 submitters); PubMed 7795608 (cited by Labcorp Genetics (formerly Invitae), Labcorp and Institute of Human Genetics, Univ. Regensburg, Univ. Regensburg); PubMed 8832723 (cited by Labcorp Genetics (formerly Invitae), Labcorp); PubMed 17296899 (cited by Labcorp Genetics (formerly Invitae), Labcorp and Institute of Human Genetics, Univ. Regensburg, Univ. Regensburg); PubMed 20491809 (cited by Labcorp Genetics (formerly Invitae), Labcorp and Institute of Human Genetics, Univ. Regensburg, Univ. Regensburg); PubMed 26158506 (cited by Labcorp Genetics (formerly Invitae), Labcorp); PubMed 8535448 (cited by OMIM); PubMed 9143917 (cited by OMIM).